The following is an entry in ClinVar:

ClinVar aggregate classification (germline): Benign (1 of 4 stars; one submission).

Conditions:
Emery-Dreifuss muscular dystrophy 5, autosomal dominant (EDMD5). Also called: EMERY-DREIFUSS MUSCULAR DYSTROPHY 5. Identifiers: Orphanet 261, MedGen C2751805, MONDO:0013072, OMIM 612999.

gnomAD v4.1: 1 of 1,614,132 alleles (0.000062%); highest among the groups gnomAD compares: Non-Finnish European, 0.000085%; no homozygotes.

Submission:

Medical Genetics Laboratory, Niloo Shiraz Laboratory
Classification: Benign for Emery-Dreifuss muscular dystrophy 5, autosomal dominant. Review status: criteria provided, single submitter. Criteria: ACMG Guidelines, 2015. Collection method: clinical testing. Allele origin: germline. Inheritance: Autosomal dominant inheritance. Affected: no.
Comment: This variant was observed in multiple healthy individuals in our Niloo-exome database and is also reported in gnomAD with a frequency of ƒ = 0.000000684. Considering its allele frequency, age of onset, and in silico predictions, we classified this variant as benign.

NM_182914.3(SYNE2):c.7471C>T (p.Leu2491Phe)

Gene: SYNE2 (spectrin repeat containing nuclear envelope protein 2; plus strand). Cytogenetic location: 14q23.2.
Variant type: single nucleotide variant.
Coding change: c.7471C>T on transcript NM_182914.3 (MANE Select); coding-DNA position 7471, C replaced by T.
Protein change: p.Leu2491Phe; replaces leucine 2491 with phenylalanine.
Molecular consequence: missense variant.
Genome position (GRCh38, 1-based): chr14:64,049,704, C>T. VCF-style: chr14-64049704-C-T. GRCh37 (hg19) VCF-style: chr14-64516422-C-T.
Other names: c.7471C>T, p.Leu2491Phe (NM_015180.6); short protein forms L2491F.
Identifiers: ClinVar variation 4082127 (VCV004082127.1).
Genomic context (GRCh38, chr14:64,049,704, plus strand): 5'-GCCATTAAGCCACTGGAACAAACAGAATGTCTTAACAAAACAGAAACTGGGGCCTTGGTT[C>T]TCCACAATATAGGATATTCGGCACAGCATTTGGACAATTTGCTTCAGGCACTTATTACTT-3'
Protein context (NP_878918.2, residues 2481-2501): LNKTETGALV[Leu2491Phe]HNIGYSAQHL